The following is an entry in ClinVar:

NM_000722.4(CACNA2D1):c.1735-8del

Gene: CACNA2D1 (calcium voltage-gated channel auxiliary subunit alpha2delta 1; minus strand). Cytogenetic location: 7q21.11.
Variant type: Deletion.
Coding change: c.1735-8del on transcript NM_000722.4 (MANE Select); 8 bases into the intron before coding-DNA position 1735, one base deleted (C; older notation c.1735-8delC).
Molecular consequence: intron variant.
Genome position (GRCh38, 1-based): chr7:81,991,254, G deleted on the plus strand (C on the coding strand, the reverse complement: CACNA2D1 is on the minus strand). VCF-style (leftmost placement, unchanged base first): chr7-81991253-AG-A. GRCh37 (hg19) VCF-style: chr7-81620569-AG-A.
Other names: c.1792-8del (NM_001366867.1); c.1735-8del (NM_000722.3).
Identifiers: ClinVar variation 695233 (VCV000695233.15), dbSNP rs554101334, ClinGen allele CA4317917.

ClinVar aggregate classification (germline): Benign/Likely benign. Review status: criteria provided, multiple submitters, no conflicts (2 of 4 stars). 3 submissions from 3 submitters: Benign (1); Likely benign (2). Last evaluated 2025-10-16.

Conditions:
Brugada syndrome. Also called: Sudden unexpected nocturnal death syndrome; Sudden Unexplained Death Syndrome; Sudden Unexplained Nocturnal Death Syndrome (SUNDS); Sudden unexplained nocturnal death syndrome. Identifiers: Orphanet 130, MedGen C1142166, MONDO:0015263.

Allele frequency attached by ClinVar (database versions not stated): gnomAD exomes 0.00006 and 0.00014; ExAC 0.00019; ESP Exome Variant Server 0.00048; gnomAD 0.00069 and 0.00076; TOPMed 0.00078; 1000 Genomes Project 0.00080.

Submissions (3):

Labcorp Genetics (formerly Invitae), Labcorp
Classification: Benign for Brugada syndrome. Last evaluated: 2025-10-16. Review status: criteria provided, single submitter. Criteria: Invitae Variant Classification Sherloc (09022015). Collection method: clinical testing. Allele origin: germline.

Athena Diagnostics
Classification: Likely benign. Last evaluated: 2024-07-02. Review status: criteria provided, single submitter. Criteria: Athena Diagnostics Criteria. Collection method: clinical testing. Allele origin: unknown.

GeneDx
Classification: Likely benign. Last evaluated: 2023-05-03. Review status: criteria provided, single submitter. Criteria: GeneDx Variant Classification Process June 2021. Collection method: clinical testing. Allele origin: germline. Affected: yes.
Comment: See Variant Classification Assertion Criteria.